The following is an entry in ClinVar:

NM_001318852.2(MAPK8IP3):c.2222G>A (p.Cys741Tyr)

Gene: MAPK8IP3 (mitogen-activated protein kinase 8 interacting protein 3; plus strand). Cytogenetic location: 16p13.3.
Variant type: single nucleotide variant.
Coding change: c.2222G>A on transcript NM_001318852.2 (MANE Select); coding-DNA position 2222, G replaced by A.
Protein change: p.Cys741Tyr; replaces cysteine 741 with tyrosine.
Molecular consequence: missense variant.
Genome position (GRCh38, 1-based): chr16:1,764,401, G>A. VCF-style: chr16-1764401-G-A. GRCh37 (hg19) VCF-style: chr16-1814402-G-A.
Other names: c.2201G>A, p.Cys734Tyr (NM_001040439.2); c.2219G>A, p.Cys740Tyr (NM_015133.5); short protein forms C734Y, C740Y, C741Y.
Identifiers: ClinVar variation 3367115 (VCV003367115.1).
Genomic context (GRCh38, chr16:1,764,401, plus strand): 5'-CCAATGAGGACGACGCTGGGAATGGAGTCAAGCCAGCGCCAGGCCGCGATCCCCTGACCT[G>A]CGACCGCGAAGGAGACGGCGAGCCCAAGAGCGCCCACACGTCTCCCGAGAAGAAGAAGGT-3'
Protein context (NP_001305781.1, residues 731-751): KPAPGRDPLT[Cys741Tyr]DREGDGEPKS

ClinVar aggregate classification (germline): Uncertain significance (1 of 4 stars; one submission).

Conditions:
Neurodevelopmental disorder with or without variable brain abnormalities; NEDBA. Also called: NEURODEVELOPMENTAL DISORDER WITH OR WITHOUT VARIABLE BRAIN ABNORMALITIES. Identifiers: MedGen C5193102, MONDO:0032755, OMIM 618443.

gnomAD v4.1: 3 of 1,602,984 alleles (0.00019%); highest among the groups gnomAD compares: East Asian, 0.0045%; no homozygotes.

Submission:

Neuberg Centre For Genomic Medicine, NCGM
Classification: Uncertain significance for Neurodevelopmental disorder with or without variable brain abnormalities; NEDBA. Last evaluated: 2023-05-20. Review status: criteria provided, single submitter. Criteria: ACMG Guidelines, 2015. Collection method: clinical testing. Allele origin: germline. Inheritance: Autosomal dominant inheritance. Affected: yes.
Comment: The observed missense c.2222G>A(p.Cys741Tyr) variant in MAPK8IP3 gene has not been reported previously as a pathogenic variant nor as a benign variant, to our knowledge. This variant is present with an allele frequency of 0.001% in gnomAD Exomes database. This variant has not been submitted to the ClinVar database. Multiple lines of computational evidence (Polyphen - possibly damaging, SIFT - damaging, and MutationTaster - disease causing) predict a damaging effect on protein structure and function for this variant. The amino acid change p.Cys741Tyr in MAPK8IP3 is predicted as conserved by GERP++ and PhyloP across 100 vertebrates. The amino acid Cys at position 741 is changed to a Tyr changing protein sequence and it might alter its composition and physico-chemical properties. For these reasons, this variant has been classified as Variant of Uncertain Significance (VUS).